The following is an entry in ClinVar:

NM_015295.3(SMCHD1):c.5335A>G (p.Ile1779Val)

Gene: SMCHD1 (structural maintenance of chromosomes flexible hinge domain containing 1; plus strand). Cytogenetic location: 18p11.32.
Variant type: single nucleotide variant.
Coding change: c.5335A>G on transcript NM_015295.3 (MANE Select); coding-DNA position 5335, A replaced by G.
Protein change: p.Ile1779Val; replaces isoleucine 1779 with valine.
Molecular consequence: missense variant.
Genome position (GRCh38, 1-based): chr18:2,775,893, A>G. VCF-style: chr18-2775893-A-G. GRCh37 (hg19) VCF-style: chr18-2775891-A-G.
Other names: short protein forms I1779V.
Identifiers: ClinVar variation 662039 (VCV000662039.9), dbSNP rs747553146, ClinGen allele CA8871704.

ClinVar aggregate classification (germline): Conflicting classifications of pathogenicity. Review status: criteria provided, conflicting classifications (1 of 4 stars). 2 submissions from 2 submitters: Uncertain significance (1); Likely benign (1). Last evaluated 2024-12-05.

Conditions:
Facioscapulohumeral muscular dystrophy 2 (FSHD2). Also called: MUSCULAR DYSTROPHY, FACIOSCAPULOHUMERAL, TYPE 1B; FACIOSCAPULOHUMERAL MUSCULAR DYSTROPHY 2, DIGENIC; FSHD2, DIGENIC. Identifiers: Orphanet 269, MedGen C1834671, MONDO:0008031, OMIM 158901.

Allele frequency attached by ClinVar (database versions not stated): gnomAD exomes 0.00001 and 0.00002; TOPMed 0.00001; ExAC 0.00002; gnomAD 0.00003.
gnomAD v4.1: 18 of 1,602,870 alleles (0.0011%); highest among the groups gnomAD compares: African/African-American, 0.0067%; no homozygotes.

Submissions (2):

Labcorp Genetics (formerly Invitae), Labcorp
Classification: Uncertain significance for Facioscapulohumeral muscular dystrophy 2. Last evaluated: 2024-12-05. Review status: criteria provided, single submitter. Criteria: Invitae Variant Classification Sherloc (09022015). Collection method: clinical testing. Allele origin: germline.
Comment: This sequence change replaces isoleucine, which is neutral and non-polar, with valine, which is neutral and non-polar, at codon 1779 of the SMCHD1 protein (p.Ile1779Val). This variant is present in population databases (rs747553146, gnomAD 0.006%). This variant has not been reported in the literature in individuals affected with SMCHD1-related conditions. ClinVar contains an entry for this variant (Variation ID: 662039). Invitae Evidence Modeling of protein sequence and biophysical properties (such as structural, functional, and spatial information, amino acid conservation, physicochemical variation, residue mobility, and thermodynamic stability) indicates that this missense variant is not expected to disrupt SMCHD1 protein function with a negative predictive value of 80%. In summary, the available evidence is currently insufficient to determine the role of this variant in disease. Therefore, it has been classified as a Variant of Uncertain Significance.

Blueprint Genetics
Classification: Likely benign. Last evaluated: 2022-03-24. Review status: criteria provided, single submitter. Criteria: ACMG Guidelines, 2015. Collection method: clinical testing. Allele origin: germline.